The following is an entry in ClinVar:

ClinVar aggregate classification (germline): Likely benign. Review status: criteria provided, multiple submitters, no conflicts (2 of 4 stars). 3 submissions from 3 submitters: Likely benign (3). Last evaluated 2025-10-13.

Conditions:
JPH2-related disorder. Also called: JPH2-related condition.
Cardiovascular phenotype. Identifiers: MedGen CN230736.
Hypertrophic cardiomyopathy. Also called: HYPERTROPHIC MYOCARDIOPATHY. Identifiers: Orphanet 217569, MedGen C0007194, MeSH D002312, MONDO:0005045, HP:0001639.

Allele frequency attached by ClinVar (database versions not stated): gnomAD 0.00001; gnomAD exomes 0.00001; ExAC 0.00002; TOPMed 0.00002.

Submissions (3):

PreventionGenetics, part of Exact Sciences
Classification: Likely benign for JPH2-related condition. Last evaluated: 2025-10-13. Review status: criteria provided, single submitter. Criteria: ACMG Guidelines, 2015. Collection method: clinical testing. Allele origin: germline.
Comment: This variant is classified as likely benign based on ACMG/AMP sequence variant interpretation guidelines (Richards et al. 2015 PMID: 25741868, with internal and published modifications).

Labcorp Genetics (formerly Invitae), Labcorp
Classification: Likely benign for Hypertrophic cardiomyopathy. Last evaluated: 2024-11-14. Review status: criteria provided, single submitter. Criteria: Invitae Variant Classification Sherloc (09022015). Collection method: clinical testing. Allele origin: germline.

Ambry Genetics
Classification: Likely benign for Cardiovascular phenotype. Last evaluated: 2021-11-18. Review status: criteria provided, single submitter. Criteria: Ambry Variant Classification Scheme 2023. Collection method: clinical testing. Allele origin: germline.

NM_020433.5(JPH2):c.1740C>A (p.Pro580=)

Gene: JPH2 (junctophilin 2; minus strand). Cytogenetic location: 20q13.12.
Variant type: single nucleotide variant.
Coding change: c.1740C>A on transcript NM_020433.5 (MANE Select); coding-DNA position 1740, C replaced by A.
Protein change: p.Pro580=; no amino-acid change (proline 580 retained).
Molecular consequence: synonymous variant.
Genome position (GRCh38, 1-based): chr20:44,115,935, G>T on the plus strand (C>A on the coding strand, the complement: JPH2 is on the minus strand). VCF-style: chr20-44115935-G-T. GRCh37 (hg19) VCF-style: chr20-42744575-G-T.
Identifiers: ClinVar variation 1102993 (VCV001102993.12), dbSNP rs779868269, ClinGen allele CA9868624.